The following is an entry in ClinVar:

ClinVar aggregate classification (germline): Uncertain significance. Review status: criteria provided, multiple submitters, no conflicts (2 of 4 stars). 2 submissions from 2 submitters: Uncertain significance (2). Last evaluated 2024-04-26.

Conditions:
Hereditary cancer-predisposing syndrome. Also called: Neoplastic Syndromes, Hereditary; Tumor predisposition; Hereditary Cancer Syndrome; Hereditary neoplastic syndrome. Identifiers: Orphanet 140162, MedGen C0027672, MeSH D009386, MONDO:0015356.

Submissions (2):

GeneDx
Classification: Uncertain significance. Last evaluated: 2024-04-26. Review status: criteria provided, single submitter. Criteria: GeneDx Variant Classification Process June 2021. Collection method: clinical testing. Allele origin: germline. Affected: yes.
Comment: Not observed at significant frequency in large population cohorts (gnomAD); Has not been previously published as pathogenic or benign to our knowledge; Nonsense variant predicted to result in protein truncation or nonsense mediated decay in a gene for which loss-of-function is not a known mechanism of disease

Ambry Genetics
Classification: Uncertain significance for Hereditary cancer-predisposing syndrome. Last evaluated: 2022-03-11. Review status: criteria provided, single submitter. Criteria: Ambry Variant Classification Scheme 2023. Collection method: clinical testing. Allele origin: germline.
Comment: The p.Y1177* variant (also known as c.3531C>G), located in coding exon 16 of the MET gene, results from a C to G substitution at nucleotide position 3531. This changes the amino acid from a tyrosine to a stop codon within coding exon 16. This alteration is expected to result in premature protein truncation or nonsense-mediated mRNA decay. However, loss of function of MET has not been clearly established as a mechanism of disease. Since supporting evidence is limited at this time, the clinical significance of this alteration remains unclear.

NM_000245.4(MET):c.3477C>G (p.Tyr1159Ter)

Gene: MET (MET proto-oncogene, receptor tyrosine kinase; plus strand). Cytogenetic location: 7q31.2.
Variant type: single nucleotide variant.
Coding change: c.3477C>G on transcript NM_000245.4 (MANE Select); coding-DNA position 3477, C replaced by G.
Protein change: p.Tyr1159Ter; replaces tyrosine 1159 with a stop codon.
Molecular consequence: nonsense.
Genome position (GRCh38, 1-based): chr7:116,778,912, C>G. VCF-style: chr7-116778912-C-G. GRCh37 (hg19) VCF-style: chr7-116418966-C-G.
Other names: c.3531C>G, p.Tyr1177Ter (NM_001127500.3); c.2187C>G, p.Tyr729Ter (NM_001324402.2); short protein forms Y1159*, Y1177*, Y729*.
Identifiers: ClinVar variation 1732370 (VCV001732370.3), dbSNP rs372238373, ClinGen allele CA368990237.
Genomic context (GRCh38, chr7:116,778,912, plus strand): 5'-CCTCTCGCTCCTGGGAATCTGCCTGCGAAGTGAAGGGTCTCCGCTGGTGGTCCTACCATA[C>G]ATGAAACATGGAGATCTTCGAAATTTCATTCGAAATGAGACTCATGTAAGTTGACTGCCA-3'